The following is an entry in ClinVar:

NM_001385079.1(PDE10A):c.1240C>T (p.Arg414Cys)

Gene: PDE10A (phosphodiesterase 10A; minus strand). Cytogenetic location: 6q27.
Variant type: single nucleotide variant.
Coding change: c.1240C>T on transcript NM_001385079.1 (MANE Select); coding-DNA position 1240, C replaced by T.
Protein change: p.Arg414Cys; replaces arginine 414 with cysteine.
Molecular consequence: missense variant.
Genome position (GRCh38, 1-based): chr6:165,435,332, G>A on the plus strand (C>T on the coding strand, the complement: PDE10A is on the minus strand). VCF-style: chr6-165435332-G-A. GRCh37 (hg19) VCF-style: chr6-165848820-G-A.
Other names: c.442C>T, p.Arg148Cys (NM_001130690.3); c.412C>T, p.Arg138Cys (NM_006661.4); short protein forms R148C, R414C, R138C.
Identifiers: ClinVar variation 2968072 (VCV002968072.3), dbSNP rs770788354, ClinGen allele CA4092461.

ClinVar aggregate classification (germline): Uncertain significance (1 of 4 stars; one submission).

Allele frequency attached by ClinVar (database versions not stated): ExAC 0.00002; TOPMed 0.00002; gnomAD 0.00003.
gnomAD v4.1: 31 of 1,613,850 alleles (0.0019%); highest among the groups gnomAD compares: Admixed American, 0.005%; no homozygotes.

Submission:

Labcorp Genetics (formerly Invitae), Labcorp
Classification: Uncertain significance. Last evaluated: 2023-10-27. Review status: criteria provided, single submitter. Criteria: Invitae Variant Classification Sherloc (09022015). Collection method: clinical testing. Allele origin: germline.
Comment: This sequence change replaces arginine, which is basic and polar, with cysteine, which is neutral and slightly polar, at codon 148 of the PDE10A protein (p.Arg148Cys). This variant is present in population databases (rs770788354, gnomAD 0.005%). This variant has not been reported in the literature in individuals affected with PDE10A-related conditions. An algorithm developed to predict the effect of missense changes on protein structure and function (PolyPhen-2) suggests that this variant is likely to be disruptive. In summary, the available evidence is currently insufficient to determine the role of this variant in disease. Therefore, it has been classified as a Variant of Uncertain Significance.